The following is an entry in ClinVar:

NM_004655.4(AXIN2):c.2011del (p.Arg671fs)

Gene: AXIN2 (axin 2; minus strand). Cytogenetic location: 17q24.1.
Variant type: Deletion.
Coding change: c.2011del on transcript NM_004655.4 (MANE Select); coding-DNA position 2011, one base deleted (C; older notation c.2011delC).
Protein change: p.Arg671fs; shifts the reading frame from arginine 671.
Molecular consequence: frameshift variant.
Genome position (GRCh38, 1-based): chr17:65,536,450, G deleted on the plus strand (C on the coding strand, the reverse complement: AXIN2 is on the minus strand); the first of 5 consecutive G bases (chr17:65,536,450-65,536,454); deleting any one gives the same sequence. VCF-style (leftmost placement, unchanged base first): chr17-65536449-CG-C. GRCh37 (hg19) VCF-style: chr17-63532567-CG-C.
Other names: c.2011delC (NM_004655.3); c.1816del, p.Arg606fs (NM_001363813.1); short protein forms R606fs, R671fs.
Identifiers: ClinVar variation 2583401 (VCV002583401.3), dbSNP rs2509402390, ClinGen allele CA2582342298.

ClinVar aggregate classification (germline): Pathogenic. Review status: criteria provided, multiple submitters, no conflicts (2 of 4 stars). 2 submissions from 2 submitters: Pathogenic (2). Last evaluated 2025-04-18.

Conditions:
Hereditary cancer-predisposing syndrome. Also called: Tumor predisposition; Hereditary neoplastic syndrome; Neoplastic Syndromes, Hereditary; Hereditary Cancer Syndrome. Identifiers: Orphanet 140162, MedGen C0027672, MeSH D009386, MONDO:0015356.
Oligodontia-cancer predisposition syndrome. Also called: TOOTH AGENESIS-COLORECTAL CANCER SYNDROME. Identifiers: Orphanet 300576, MedGen C1837750, MONDO:0012075, OMIM 608615. Disease mechanism: loss of function.

Submissions (2):

Ambry Genetics
Classification: Pathogenic for Hereditary cancer-predisposing syndrome. Last evaluated: 2025-04-18. Review status: criteria provided, single submitter. Criteria: Ambry Variant Classification Scheme 2023. Collection method: clinical testing. Allele origin: germline.
Comment: The c.2011delC pathogenic mutation, located in coding exon 7 of the AXIN2 gene, results from a deletion of one nucleotide at nucleotide position 2011, causing a translational frameshift with a predicted alternate stop codon (p.R671Afs*18).This variant is considered to be rare based on population cohorts in the Genome Aggregation Database (gnomAD). This alteration is expected to result in loss of function by premature protein truncation or nonsense-mediated mRNA decay. As such, this alteration is interpreted as a disease-causing mutation.

Myriad Genetics, Inc.
Classification: Pathogenic for Oligodontia-cancer predisposition syndrome. Last evaluated: 2023-05-17. Review status: criteria provided, single submitter. Criteria: Myriad Autosomal Dominant, Autosomal Recessive and X-Linked Classification Criteria (2023). Collection method: clinical testing. Allele origin: unknown.
Comment: This variant is considered pathogenic. This variant creates a frameshift predicted to result in premature protein truncation.